The following is an entry in ClinVar:

ClinVar aggregate classification (germline): Uncertain significance (1 of 4 stars; one submission).

Submission:

GeneDx
Classification: Uncertain significance. Last evaluated: 2022-01-04. Review status: criteria provided, single submitter. Criteria: GeneDx Variant Classification Process June 2021. Collection method: clinical testing. Allele origin: germline. Affected: yes.
Comment: Not observed at significant frequency in large population cohorts (gnomAD); In silico analysis supports that this missense variant has a deleterious effect on protein structure/function; Has not been previously published as pathogenic or benign to our knowledge; This variant is associated with the following publications: (PMID: 26243512)

NM_001540.5(HSPB1):c.555C>A (p.Phe185Leu)

Gene: HSPB1 (heat shock protein family B (small) member 1; plus strand). Cytogenetic location: 7q11.23.
Variant type: single nucleotide variant.
Coding change: c.555C>A on transcript NM_001540.5 (MANE Select); coding-DNA position 555, C replaced by A.
Protein change: p.Phe185Leu; replaces phenylalanine 185 with leucine.
Molecular consequence: missense variant.
Genome position (GRCh38, 1-based): chr7:76,304,110, C>A. VCF-style: chr7-76304110-C-A. GRCh37 (hg19) VCF-style: chr7-75933427-C-A.
Other names: short protein forms F185L.
Identifiers: ClinVar variation 1693438 (VCV001693438.2), dbSNP rs533051169, ClinGen allele CA367766416.